The following is an entry in ClinVar:

GRCh38/hg38 10q26.3(chr10:133440535-133558988)x1

Genes: CYP2E1 (cytochrome P450 family 2 subfamily E member 1; plus strand), SCART1 (scavenger receptor family member expressed on T cells 1; plus strand), SYCE1 (synaptonemal complex central element protein 1; minus strand), LOC110599585 (CYP2E1 5' regulatory region; plus strand), LOC126861107 (BRD4-independent group 4 enhancer GRCh37_chr10:135344892-135346091; plus strand) and 5 more. Cytogenetic location: 10q26.3.
Variant type: copy number loss.
Change: copy number 1 (one copy instead of two) of chr10:133,440,535-133,558,988 (118.5 kb, GRCh38 coordinates, 1-based), cytogenetic band 10q26.3.
Identifiers: ClinVar variation 57392 (VCV000057392.1).

ClinVar aggregate classification (germline): Benign (1 of 4 stars; one submission).

Submission:

ISCA site 4
Classification: Benign. Last evaluated: 2011-08-12. Review status: criteria provided, single submitter. Criteria: Kaminsky et al. (Genet Med. 2011). Collection method: clinical testing. Allele origin: unknown. Affected: yes. Observed: 1 variant allele.
Comment: Copy number variation identified through the course of routine clinical cytogenomic testing in postnatal populations. Clinical assertions have been curated as described in Kaminsky et al. 2011.